The following is an entry in ClinVar:

ClinVar aggregate classification (germline): Uncertain significance. Review status: criteria provided, multiple submitters, no conflicts (2 of 4 stars). 2 submissions from 2 submitters: Uncertain significance (2). Last evaluated 2024-03-16.

Conditions:
Hereditary cancer-predisposing syndrome. Also called: Hereditary neoplastic syndrome; Neoplastic Syndromes, Hereditary; Tumor predisposition; Hereditary Cancer Syndrome. Identifiers: Orphanet 140162, MedGen C0027672, MeSH D009386, MONDO:0015356.
DICER1-related tumor predisposition. Also called: DICER1-related pleuropulmonary blastoma cancer predisposition syndrome; DICER1 syndrome. Identifiers: Orphanet 284343, MedGen C3839822, MONDO:0100216.

Submissions (2):

Ambry Genetics
Classification: Uncertain significance for Hereditary cancer-predisposing syndrome. Last evaluated: 2024-03-16. Review status: criteria provided, single submitter. Criteria: Ambry Variant Classification Scheme 2023. Collection method: clinical testing. Allele origin: germline.
Comment: The p.Q941E variant (also known as c.2821C>G), located in coding exon 17 of the DICER1 gene, results from a C to G substitution at nucleotide position 2821. The glutamine at codon 941 is replaced by glutamic acid, an amino acid with highly similar properties. This amino acid position is conserved. In addition, the in silico prediction for this alteration is inconclusive. Based on the available evidence, the clinical significance of this alteration remains unclear.

Labcorp Genetics (formerly Invitae), Labcorp
Classification: Uncertain significance for DICER1-related tumor predisposition. Last evaluated: 2017-05-13. Review status: criteria provided, single submitter. Criteria: Invitae Variant Classification Sherloc (09022015). Collection method: clinical testing. Allele origin: germline.
Comment: This sequence change replaces glutamine with glutamic acid at codon 941 of the DICER1 protein (p.Gln941Glu). The glutamine residue is highly conserved and there is a small physicochemical difference between glutamine and glutamic acid. This variant is not present in population databases (ExAC no frequency). This variant has not been reported in the literature in individuals with a DICER1-related disease. ClinVar contains an entry for this variant (Variation ID: 412045). Algorithms developed to predict the effect of missense changes on protein structure and function (SIFT, PolyPhen-2, Align-GVGD) all suggest that this variant is likely to be disruptive, but these predictions have not been confirmed by published functional studies and their clinical significance is uncertain. In summary, this variant has uncertain impact on DICER1 function. The available evidence is currently insufficient to determine its role in disease. Therefore, it has been classified as a Variant of Uncertain Significance.

NM_177438.3(DICER1):c.2821C>G (p.Gln941Glu)

Gene: DICER1 (dicer 1, ribonuclease III; minus strand). Cytogenetic location: 14q32.13.
Variant type: single nucleotide variant.
Coding change: c.2821C>G on transcript NM_177438.3 (MANE Select); coding-DNA position 2821, C replaced by G.
Protein change: p.Gln941Glu; replaces glutamine 941 with glutamic acid.
Molecular consequence: missense variant.
Genome position (GRCh38, 1-based): chr14:95,106,207, G>C on the plus strand (C>G on the coding strand, the complement: DICER1 is on the minus strand). VCF-style: chr14-95106207-G-C. GRCh37 (hg19) VCF-style: chr14-95572544-G-C.
Other names: c.2821C>G, p.Gln941Glu (NM_001195573.1, NM_001271282.3, NM_001291628.2 and 1 more transcripts); short protein forms Q941E.
Identifiers: ClinVar variation 412045 (VCV000412045.11), dbSNP rs1060503588, ClinGen allele CA16614358.